The following is an entry in ClinVar:

NM_001126128.2(PROK2):c.289C>G (p.Pro97Ala)

Gene: PROK2 (prokineticin 2; minus strand). Cytogenetic location: 3p13.
Variant type: single nucleotide variant.
Coding change: c.289C>G on transcript NM_001126128.2 (MANE Select); coding-DNA position 289, C replaced by G.
Protein change: p.Pro97Ala; replaces proline 97 with alanine.
Molecular consequence: missense variant.
Genome position (GRCh38, 1-based): chr3:71,772,825, G>C on the plus strand (C>G on the coding strand, the complement: PROK2 is on the minus strand). VCF-style: chr3-71772825-G-C. GRCh37 (hg19) VCF-style: chr3-71821976-G-C.
Other names: c.226C>G, p.Pro76Ala (NM_021935.4); short protein forms P97A, P76A.
Identifiers: ClinVar variation 4996253 (VCV004996253.1).

ClinVar aggregate classification (germline): Uncertain significance (1 of 4 stars; one submission).

Conditions:
PROK2-related disorder. Also called: PROK2-related condition.

Submission:

PreventionGenetics, part of Exact Sciences
Classification: Uncertain significance for PROK2-related condition. Last evaluated: 2026-07-31. Review status: criteria provided, single submitter. Criteria: ACMG Guidelines, 2015. Collection method: clinical testing. Allele origin: germline.
Comment: The PROK2 c.289C>G variant is predicted to result in the amino acid substitution p.Pro97Ala. To our knowledge, this variant has not been reported in the literature or in a large population database (gnomAD), indicating this variant is rare. At this time, the clinical significance of this variant is uncertain due to the absence of conclusive functional and genetic evidence.